The following is an entry in ClinVar:

NM_015100.4(POGZ):c.1963C>T (p.Gln655Ter)

Gene: POGZ (pogo transposable element derived with ZNF domain; minus strand). Cytogenetic location: 1q21.3.
Variant type: single nucleotide variant.
Coding change: c.1963C>T on transcript NM_015100.4 (MANE Select); coding-DNA position 1963, C replaced by T.
Protein change: p.Gln655Ter; replaces glutamine 655 with a stop codon.
Molecular consequence: nonsense.
Genome position (GRCh38, 1-based): chr1:151,408,792, G>A on the plus strand (C>T on the coding strand, the complement: POGZ is on the minus strand). VCF-style: chr1-151408792-G-A. GRCh37 (hg19) VCF-style: chr1-151381268-G-A.
Other names: c.1936C>T, p.Gln646Ter (NM_001194937.2); c.1777C>T, p.Gln593Ter (NM_001194938.2); c.1984C>T, p.Gln662Ter (NM_001410860.1); c.1678C>T, p.Gln560Ter (NM_145796.4); c.1804C>T, p.Gln602Ter (NM_207171.2); short protein forms Q560*, Q593*, Q602*, Q646*, Q655*, Q662*.
Identifiers: ClinVar variation 4855194 (VCV004855194.1).

ClinVar aggregate classification (germline): Likely pathogenic (1 of 4 stars; one submission).

Conditions:
Intellectual disability-microcephaly-strabismus-behavioral abnormalities syndrome. Also called: White-Sutton Syndrome. Identifiers: Orphanet 468678, MedGen C4225351, MONDO:0014606, OMIM 616364.

Submission:

3billion
Classification: Likely pathogenic for Intellectual disability-microcephaly-strabismus-behavioral abnormalities syndrome. Last evaluated: 2025-12-01. Review status: criteria provided, single submitter. Criteria: ACMG Guidelines, 2015. Collection method: clinical testing. Allele origin: germline. Affected: yes.
Comment: The variant is not observed in the gnomAD v4.1.0 dataset. Predicted Consequence/Location: Stop-gained (nonsense): predicted to result in a loss or disruption of normal protein function through nonsense-mediated decay (NMD) or protein truncation. Multiple pathogenic variants are reported downstream of the variant. Therefore, this variant is classified as Likely pathogenic according to the recommendation of ACMG/AMP guideline.